The following is an entry in ClinVar:

ClinVar aggregate classification (germline): Uncertain significance (1 of 4 stars; one submission).

Conditions:
Hereditary cancer-predisposing syndrome. Also called: Hereditary Cancer Syndrome; Hereditary neoplastic syndrome; Neoplastic Syndromes, Hereditary; Tumor predisposition. Identifiers: Orphanet 140162, MedGen C0027672, MeSH D009386, MONDO:0015356.

Submission:

Ambry Genetics
Classification: Uncertain significance for Hereditary cancer-predisposing syndrome. Last evaluated: 2022-05-09. Review status: criteria provided, single submitter. Criteria: Ambry Variant Classification Scheme 2023. Collection method: clinical testing. Allele origin: germline.
Comment: The p.H195Y variant (also known as c.583C>T), located in coding exon 6 of the NF2 gene, results from a C to T substitution at nucleotide position 583. The histidine at codon 195 is replaced by tyrosine, an amino acid with similar properties. This amino acid position is conserved. In addition, this alteration is predicted to be deleterious by in silico analysis. Since supporting evidence is limited at this time, the clinical significance of this alteration remains unclear.

NM_000268.4(NF2):c.583C>T (p.His195Tyr)

Gene: NF2 (NF2, moesin-ezrin-radixin like (MERLIN) tumor suppressor; plus strand). Cytogenetic location: 22q12.2.
Variant type: single nucleotide variant.
Coding change: c.583C>T on transcript NM_000268.4 (MANE Select); coding-DNA position 583, C replaced by T.
Protein change: p.His195Tyr; replaces histidine 195 with tyrosine.
Molecular consequence: missense variant. On other transcripts: non-coding transcript variant (1), intron variant (1).
Genome position (GRCh38, 1-based): chr22:29,655,660, C>T. VCF-style: chr22-29655660-C-T. GRCh37 (hg19) VCF-style: chr22-30051649-C-T.
Other names: c.469C>T, p.His157Tyr (NM_001407053.1, NM_001407056.1); c.460C>T, p.His154Tyr (NM_001407054.1, NM_001407058.1, NM_001407062.1 and 1 more transcripts); c.457C>T, p.His153Tyr (NM_001407055.1, NM_181828.3); c.583C>T, p.His195Tyr (NM_001407057.1, NM_001407059.1, NM_001407060.1 and 4 more transcripts); c.334C>T, p.His112Tyr (NM_001407063.1, NM_001407064.1, NM_181830.3 and 1 more transcripts); c.49C>T, p.His17Tyr (NM_001407065.1); c.352C>T, p.His118Tyr (NM_001407067.1); c.447+13375C>T (NM_181833.3); short protein forms H154Y, H17Y, H157Y, H118Y, H153Y, H112Y, H195Y.
Identifiers: ClinVar variation 1750007 (VCV001750007.2), dbSNP rs796274139, ClinGen allele CA323110118.
Genomic context (GRCh38, chr22:29,655,660, plus strand): 5'-AATCTGTATCAGATGACTCCGGAAATGTGGGAGGAGAGAATTACTGCTTGGTACGCAGAG[C>T]ACCGAGGCCGAGCCAGGTGAGGCCCATTCATTGTTGGTTTACATTCCTTTATGGGCTTTT-3'
Protein context (NP_000259.1, residues 185-205): EERITAWYAE[His195Tyr]RGRARDEAEM